The following is an entry in ClinVar:

NM_000204.5(CFI):c.412A>G (p.Met138Val)

Gene: CFI (complement factor I; minus strand). Cytogenetic location: 4q25.
Variant type: single nucleotide variant.
Coding change: c.412A>G on transcript NM_000204.5 (MANE Select); coding-DNA position 412, A replaced by G.
Protein change: p.Met138Val; replaces methionine 138 with valine.
Molecular consequence: missense variant. On other transcripts: non-coding transcript variant (3), intron variant (1).
Genome position (GRCh38, 1-based): chr4:109,764,607, T>C on the plus strand (A>G on the coding strand, the complement: CFI is on the minus strand). VCF-style: chr4-109764607-T-C. GRCh37 (hg19) VCF-style: chr4-110685763-T-C.
Other names: c.412A>G, p.Met138Val (NM_001318057.2, NM_001331035.2, NM_001375278.1 and 10 more transcripts); c.-127-2915A>G (NM_001375284.1); short protein forms M138V.
Identifiers: ClinVar variation 4280515 (VCV004280515.2).

ClinVar aggregate classification (germline): Likely pathogenic (1 of 4 stars; one submission).

Conditions:
CFI-related disorder. Also called: CFI-related condition; CFI-related disorders. Identifiers: MedGen CN239325.

Submission:

Genomenon, Inc
Classification: Likely pathogenic for CFI-related disorder. Last evaluated: 2026-09-17. Review status: criteria provided, single submitter. Criteria: Genomenon Sequence Variant Interpretation Standards - Updated. Collection method: curation. Allele origin: germline. Affected: yes.
Comment: CFI p.Met138Val (c.412A>G) is a missense variant that changes the amino acid at codon 138 from Methionine to Valine. This variant has been observed in at least one proband affected with a CFI-related disorder (PMID:32510551). At least one functional study has demonstrated a substantial alteration in protein function relative to the wild-type (PMID:32510551;19877009). It is absent or not present at a significant frequency in gnomAD. In conclusion, we classify CFI p.Met138Val (c.412A>G) as a likely pathogenic variant.

Literature cited by the submitters: PubMed 32510551; PubMed 19877009.